The following is an entry in ClinVar:

NM_000038.6(APC):c.926G>T (p.Gly309Val)

Gene: APC (APC regulator of Wnt signaling pathway; plus strand). Cytogenetic location: 5q22.2.
Variant type: single nucleotide variant.
Coding change: c.926G>T on transcript NM_000038.6 (MANE Select); coding-DNA position 926, G replaced by T.
Protein change: p.Gly309Val; replaces glycine 309 with valine.
Molecular consequence: missense variant. On other transcripts: non-coding transcript variant (2).
Genome position (GRCh38, 1-based): chr5:112,815,586, G>T. VCF-style: chr5-112815586-G-T. GRCh37 (hg19) VCF-style: chr5-112151283-G-T.
Other names: c.926G>T, p.Gly309Val (NM_001127510.3, NM_001354895.2, NM_001354896.2 and 12 more transcripts); c.872G>T, p.Gly291Val (NM_001127511.3); c.956G>T, p.Gly319Val (NM_001354897.2, NM_001354902.2, NM_001407446.1); c.851G>T, p.Gly284Val (NM_001354898.2, NM_001354904.2, NM_001407451.1); c.842G>T, p.Gly281Val (NM_001354899.2, NM_001407452.1, NM_001407467.1 and 1 more transcripts); c.749G>T, p.Gly250Val (NM_001354900.2, NM_001354901.2, NM_001354905.2 and 1 more transcripts); c.77G>T, p.Gly26Val (NM_001354906.2, NM_001407470.1, NM_001407471.1 and 1 more transcripts); short protein forms G26V, G284V, G309V, G319V, G250V, G281V, G291V.
Identifiers: ClinVar variation 3928290 (VCV003928290.1).

ClinVar aggregate classification (germline): Uncertain significance (1 of 4 stars; one submission).

Conditions:
Hereditary cancer-predisposing syndrome. Also called: Hereditary Cancer Syndrome; Hereditary neoplastic syndrome; Neoplastic Syndromes, Hereditary; Tumor predisposition. Identifiers: Orphanet 140162, MedGen C0027672, MeSH D009386, MONDO:0015356.

Submission:

Ambry Genetics
Classification: Uncertain significance for Hereditary cancer-predisposing syndrome. Last evaluated: 2025-03-28. Review status: criteria provided, single submitter. Criteria: Ambry Variant Classification Scheme 2023. Collection method: clinical testing. Allele origin: germline.
Comment: The p.G309V variant (also known as c.926G>T), located in coding exon 8 of the APC gene, results from a G to T substitution at nucleotide position 926. The glycine at codon 309 is replaced by valine, an amino acid with dissimilar properties. This amino acid position is conserved. In addition, in silico predictors for this gene do not accurately predict pathogenicity. Based on the available evidence, the clinical significance of this variant remains unclear.